The following is an entry in ClinVar:

NM_000147.5(FUCA1):c.775G>T (p.Val259Leu)

Gene: FUCA1 (alpha-L-fucosidase 1; minus strand). Cytogenetic location: 1p36.11.
Variant type: single nucleotide variant.
Coding change: c.775G>T on transcript NM_000147.5 (MANE Select); coding-DNA position 775, G replaced by T.
Protein change: p.Val259Leu; replaces valine 259 with leucine.
Molecular consequence: missense variant. On other transcripts: non-coding transcript variant (4).
Genome position (GRCh38, 1-based): chr1:23,854,554, C>A on the plus strand (G>T on the coding strand, the complement: FUCA1 is on the minus strand). VCF-style: chr1-23854554-C-A. GRCh37 (hg19) VCF-style: chr1-24181044-C-A.
Other names: short protein forms V259L.
Identifiers: ClinVar variation 1954620 (VCV001954620.5), dbSNP rs779573023, ClinGen allele CA339038743.

ClinVar aggregate classification (germline): Uncertain significance (1 of 4 stars; one submission).

Conditions:
Fucosidosis. Also called: ALPHA-L-FUCOSIDASE DEFICIENCY. Identifiers: Orphanet 349, MedGen C0016788, MONDO:0009254, OMIM 230000.

Submission:

Labcorp Genetics (formerly Invitae), Labcorp
Classification: Uncertain significance for Fucosidosis. Last evaluated: 2022-01-11. Review status: criteria provided, single submitter. Criteria: Invitae Variant Classification Sherloc (09022015). Collection method: clinical testing. Allele origin: germline.
Comment: This sequence change replaces valine, which is neutral and non-polar, with leucine, which is neutral and non-polar, at codon 259 of the FUCA1 protein (p.Val259Leu). This variant is not present in population databases (gnomAD no frequency). In summary, the available evidence is currently insufficient to determine the role of this variant in disease. Therefore, it has been classified as a Variant of Uncertain Significance. Algorithms developed to predict the effect of missense changes on protein structure and function are either unavailable or do not agree on the potential impact of this missense change (SIFT: "Deleterious"; PolyPhen-2: "Benign"; Align-GVGD: "Class C0"). This variant has not been reported in the literature in individuals affected with FUCA1-related conditions.